The following is an entry in ClinVar:

ClinVar aggregate classification (germline): Uncertain significance (1 of 4 stars; one submission).

Conditions:
Cardiovascular phenotype. Identifiers: MedGen CN230736.
Hereditary cancer-predisposing syndrome. Also called: Tumor predisposition; Neoplastic Syndromes, Hereditary; Hereditary Cancer Syndrome; Hereditary neoplastic syndrome. Identifiers: Orphanet 140162, MedGen C0027672, MeSH D009386, MONDO:0015356.

Submission:

Ambry Genetics
Classification: Uncertain significance for Cardiovascular phenotype; Hereditary cancer-predisposing syndrome. Last evaluated: 2025-01-23. Review status: criteria provided, single submitter. Criteria: Ambry Variant Classification Scheme 2023. Collection method: clinical testing. Allele origin: germline.
Comment: The p.I2199T variant (also known as c.6596T>C), located in coding exon 43 of the NF1 gene, results from a T to C substitution at nucleotide position 6596. The isoleucine at codon 2199 is replaced by threonine, an amino acid with similar properties. This amino acid position is conserved. In addition, the in silico prediction for this alteration is inconclusive. Based on the available evidence, the clinical significance of this variant remains unclear.

NM_001042492.3(NF1):c.6659T>C (p.Ile2220Thr)

Gene: NF1 (neurofibromin 1; plus strand). Cytogenetic location: 17q11.2.
Variant type: single nucleotide variant.
Coding change: c.6659T>C on transcript NM_001042492.3 (MANE Select); coding-DNA position 6659, T replaced by C.
Protein change: p.Ile2220Thr; replaces isoleucine 2220 with threonine.
Molecular consequence: missense variant.
Genome position (GRCh38, 1-based): chr17:31,337,835, T>C. VCF-style: chr17-31337835-T-C. GRCh37 (hg19) VCF-style: chr17-29664853-T-C.
Other names: c.6596T>C, p.Ile2199Thr (NM_000267.4); short protein forms I2199T, I2220T.
Identifiers: ClinVar variation 3879081 (VCV003879081.1).